The following is an entry in ClinVar:

ClinVar aggregate classification (germline): Uncertain significance. Review status: criteria provided, multiple submitters, no conflicts (2 of 4 stars). 2 submissions from 2 submitters: Uncertain significance (2). Last evaluated 2025-10-24.

Allele frequency attached by ClinVar (database versions not stated): gnomAD exomes 0.00002; ExAC 0.00003; TOPMed 0.00004; gnomAD 0.00007; ESP Exome Variant Server 0.00008; 1000 Genomes Project 30x 0.00016; 1000 Genomes Project 0.00020.
gnomAD v4.1: 39 of 1,606,656 alleles (0.0024%); highest among the groups gnomAD compares: African/African-American, 0.017%; no homozygotes.

Submissions (2):

Labcorp Genetics (formerly Invitae), Labcorp
Classification: Uncertain significance. Last evaluated: 2025-10-24. Review status: criteria provided, single submitter. Criteria: Invitae Variant Classification Sherloc (09022015). Collection method: clinical testing. Allele origin: germline.
Comment: This sequence change replaces arginine, which is basic and polar, with tryptophan, which is neutral and slightly polar, at codon 768 of the MYH7B protein (p.Arg768Trp). The frequency data for this variant in the population databases is considered unreliable, as metrics indicate poor data quality at this position in the gnomAD database. This variant has not been reported in the literature in individuals affected with MYH7B-related conditions. ClinVar contains an entry for this variant (Variation ID: 2599383). Invitae Evidence Modeling of protein sequence and biophysical properties (such as structural, functional, and spatial information, amino acid conservation, physicochemical variation, residue mobility, and thermodynamic stability) indicates that this missense variant is expected to disrupt MYH7B protein function with a positive predictive value of 80%. In summary, the available evidence is currently insufficient to determine the role of this variant in disease. Therefore, it has been classified as a Variant of Uncertain Significance.

Ambry Genetics
Classification: Uncertain significance. Last evaluated: 2023-07-17. Review status: criteria provided, single submitter. Criteria: Ambry Variant Classification Scheme 2023. Collection method: clinical testing. Allele origin: germline.

NM_020884.7(MYH7B):c.2176C>T (p.Arg726Trp)

Gene: MYH7B (myosin heavy chain 7B; plus strand). Cytogenetic location: 20q11.22.
Variant type: single nucleotide variant.
Coding change: c.2176C>T on transcript NM_020884.7 (MANE Select); coding-DNA position 2176, C replaced by T.
Protein change: p.Arg726Trp; replaces arginine 726 with tryptophan.
Molecular consequence: missense variant.
Genome position (GRCh38, 1-based): chr20:34,991,114, C>T. VCF-style: chr20-34991114-C-T. GRCh37 (hg19) VCF-style: chr20-33578917-C-T.
Other names: short protein forms R726W.
Identifiers: ClinVar variation 2599383 (VCV002599383.3), dbSNP rs370220364, ClinGen allele CA9827252.